The following is an entry in ClinVar:

NM_000085.5(CLCNKB):c.1897del (p.Thr632_Leu633insTer)

Genes: CLCNKB (chloride voltage-gated channel Kb; plus strand), LOC106501713 (CLCNKB recombination region; plus strand). Cytogenetic location: 1p36.13.
Variant type: Deletion.
Coding change: c.1897del on transcript NM_000085.5 (MANE Select); coding-DNA position 1897, one base deleted (C; older notation c.1897delC).
Protein change: p.Thr632_Leu633insTer.
Molecular consequence: nonsense.
Genome position (GRCh38, 1-based): chr1:16,055,726, C deleted; the last of 3 consecutive C bases (chr1:16,055,724-16,055,726); deleting any one gives the same sequence. VCF-style (leftmost placement, unchanged base first): chr1-16055723-AC-A. GRCh37 (hg19) VCF-style: chr1-16382218-AC-A.
Other names: c.1387del, p.Thr462_Leu463insTer (NM_001165945.2); c.1897del (NM_000085.4).
Identifiers: ClinVar variation 216904 (VCV000216904.11), dbSNP rs863224858, ClinGen allele CA278988.

ClinVar aggregate classification (germline): Pathogenic/Likely pathogenic. Review status: criteria provided, multiple submitters, no conflicts (2 of 4 stars). 7 submissions from 7 submitters: Pathogenic (5); Likely pathogenic (2). Last evaluated 2026-08-09.

Conditions:
CLCNKB-related disorders.
Bartter disease type 3. Also called: Bartter syndrome type 3. Identifiers: Orphanet 112, Orphanet 93605, MedGen C1846343, MONDO:0011822, OMIM 607364.
Bartter disease type 4B. Also called: Bartter syndrome, type 4b, digenic; BARTTER SYNDROME, TYPE 4B; BARTTER SYNDROME, TYPE 4B, NEONATAL, WITH SENSORINEURAL DEAFNESS. Identifiers: Orphanet 112, MedGen C4310805, MONDO:0000909, OMIM 613090.
Renal tubulopathies.

Submissions (7):

Genetics Laboratory, Great Ormond Street Hospital NHS Foundation Trust, North Thames Genomic Laboratory Hub
Classification: Pathogenic for Renal tubulopathies. Last evaluated: 2026-08-09. Review status: criteria provided, single submitter. Criteria: ACGS Best Practice Guidelines for Variant Classification in Rare Disease 2024 v1.2. Collection method: clinical testing. Allele origin: germline. Affected: yes.
Comment: PM2_moderate, PVS1_very-strong, PM3_strong

Labcorp Genetics (formerly Invitae), Labcorp
Classification: Pathogenic. Last evaluated: 2025-12-06. Review status: criteria provided, single submitter. Criteria: Invitae Variant Classification Sherloc (09022015). Collection method: clinical testing. Allele origin: germline.
Comment: This sequence change creates a premature translational stop signal (p.Leu633*) in the CLCNKB gene. It is expected to result in an absent or disrupted protein product. Loss-of-function variants in CLCNKB are known to be pathogenic (PMID: 24830959, 26920127, 28381550, 29254190). This variant is present in population databases (rs765871649, gnomAD 0.1%). This premature translational stop signal has been observed in individual(s) with Bartter syndrome or Gitelman syndrome (PMID: 25326637, 28381550, 31672324). ClinVar contains an entry for this variant (Variation ID: 216904). For these reasons, this variant has been classified as Pathogenic.

GeneDx
Classification: Pathogenic. Last evaluated: 2025-04-15. Review status: criteria provided, single submitter. Criteria: GeneDx Variant Classification Process June 2021. Collection method: clinical testing. Allele origin: germline. Affected: yes.
Comment: Nonsense variant predicted to result in protein truncation or nonsense mediated decay in a gene for which loss of function is a known mechanism of disease; Not observed at significant frequency in large population cohorts (gnomAD); This variant is associated with the following publications: (PMID: 31589614, 31672324, 29942493, 28381550)

Revvity Omics, Revvity
Classification: Likely pathogenic. Last evaluated: 2024-06-06. Review status: criteria provided, single submitter. Criteria: ACMG Guidelines, 2015. Collection method: clinical testing. Allele origin: germline.

Fulgent Genetics
Classification: Pathogenic for Bartter disease type 3; Bartter disease type 4B. Last evaluated: 2024-03-26. Review status: criteria provided, single submitter. Criteria: ACMG Guidelines, 2015. Collection method: clinical testing. Allele origin: germline.

Blueprint Genetics
Classification: Pathogenic for CLCNKB-related disorders. Last evaluated: 2020-05-29. Review status: criteria provided, single submitter. Criteria: ACMG Guidelines, 2015. Collection method: clinical testing. Allele origin: germline. Affected: yes. Observed: 3 variant alleles.

UCLA Clinical Genomics Center, UCLA
Classification: Likely pathogenic for Bartter syndrome type 3. Last evaluated: 2013-11-05. Review status: criteria provided, single submitter. Criteria: Lee et al. (JAMA. 2014). Collection method: clinical testing. Allele origin: germline. Inheritance: Autosomal recessive inheritance. Affected: yes. Study: CES.

Literature cited by the submitters: PubMed 24830959 (cited by Labcorp Genetics (formerly Invitae), Labcorp); PubMed 26920127 (cited by Labcorp Genetics (formerly Invitae), Labcorp); PubMed 28381550 (cited by Labcorp Genetics (formerly Invitae), Labcorp); PubMed 29254190 (cited by Labcorp Genetics (formerly Invitae), Labcorp); PubMed 25326637 (cited by Labcorp Genetics (formerly Invitae), Labcorp); PubMed 31672324 (cited by Labcorp Genetics (formerly Invitae), Labcorp).